The following is an entry in ClinVar:

NM_003060.4(SLC22A5):c.1643G>A (p.Arg548Lys)

Gene: SLC22A5 (solute carrier family 22 member 5; plus strand). Cytogenetic location: 5q31.1.
Variant type: single nucleotide variant.
Coding change: c.1643G>A on transcript NM_003060.4 (MANE Select); coding-DNA position 1643, G replaced by A.
Protein change: p.Arg548Lys; replaces arginine 548 with lysine.
Molecular consequence: missense variant.
Genome position (GRCh38, 1-based): chr5:132,394,241, G>A. VCF-style: chr5-132394241-G-A. GRCh37 (hg19) VCF-style: chr5-131729933-G-A.
Other names: c.1715G>A, p.Arg572Lys (NM_001308122.2); short protein forms R548K, R572K.
Identifiers: ClinVar variation 460404 (VCV000460404.35), dbSNP rs150775371, ClinGen allele CA3404224.

ClinVar aggregate classification (germline): Conflicting classifications of pathogenicity. Review status: criteria provided, conflicting classifications (1 of 4 stars). 11 submissions from 11 submitters: Uncertain significance (7); Likely benign (3). 1 of the submissions does not count toward it. Last evaluated 2026-01-26.

Conditions:
SLC22A5-related disorder. Also called: SLC22A5-related condition.
Renal carnitine transport defect (CDSP). Also called: CARNITINE DEFICIENCY, SYSTEMIC, DUE TO DEFECT IN RENAL REABSORPTION OF CARNITINE; CARNITINE TRANSPORTER, PLASMA-MEMBRANE, DEFICIENCY OF; CARNITINE UPTAKE DEFECT; Systemic primary carnitine deficiency; Primary carnitine deficiency; Carnitine transporter deficiency. Identifiers: Orphanet 158, MedGen C0342788, MONDO:0008919, OMIM 212140.

Allele frequency attached by ClinVar (database versions not stated): gnomAD 0.00021 and 0.00023; gnomAD exomes 0.00022; TOPMed 0.00022; ExAC 0.00026; ESP Exome Variant Server 0.00046.
gnomAD v4.1: 468 of 1,613,236 alleles (0.029%); highest among the groups gnomAD compares: Non-Finnish European, 0.037%; 1 homozygote.

Submissions (11):

Labcorp Genetics (formerly Invitae), Labcorp
Classification: Likely benign for Renal carnitine transport defect. Last evaluated: 2026-01-26. Review status: criteria provided, single submitter. Criteria: Invitae Variant Classification Sherloc (09022015). Collection method: clinical testing. Allele origin: germline.

PreventionGenetics, part of Exact Sciences
Classification: Uncertain significance for SLC22A5-related condition. Last evaluated: 2025-07-18. Review status: criteria provided, single submitter. Criteria: ACMG Guidelines, 2015. Collection method: clinical testing. Allele origin: germline.
Comment: The SLC22A5 c.1643G>A variant is predicted to result in the amino acid substitution p.Arg548Lys. To our knowledge, this variant has not been reported in the literature. This variant is reported in 0.039% of alleles in individuals of European (Non-Finnish) descent in gnomAD. At this time, the clinical significance of this variant is uncertain due to the absence of conclusive functional and genetic evidence.

GeneDx
Classification: Uncertain significance. Last evaluated: 2024-07-23. Review status: criteria provided, single submitter. Criteria: GeneDx Variant Classification Process June 2021. Collection method: clinical testing. Allele origin: germline. Affected: yes.
Comment: In silico analysis indicates that this missense variant does not alter protein structure/function; Has not been previously published as pathogenic or benign to our knowledge

Blueprint Genetics
Classification: Likely benign. Last evaluated: 2024-06-26. Review status: criteria provided, single submitter. Criteria: ACMG Guidelines, 2015. Collection method: clinical testing. Allele origin: germline.

Baylor Genetics
Classification: Uncertain significance for Renal carnitine transport defect. Last evaluated: 2022-10-22. Review status: criteria provided, single submitter. Criteria: ACMG Guidelines, 2015. Collection method: clinical testing. Allele origin: unknown.

Giacomini Lab, University of California, San Francisco
Classification: Likely benign for Renal carnitine transport defect. Last evaluated: 2022-10-03. Review status: criteria provided, single submitter. Criteria: ACMG Guidelines, 2015. Collection method: research, in vitro. Allele origin: germline, not applicable.

Genome-Nilou Lab
Classification: Uncertain significance for Renal carnitine transport defect. Last evaluated: 2021-07-15. Review status: criteria provided, single submitter. Criteria: ACMG Guidelines, 2015. Collection method: clinical testing. Allele origin: germline. Affected: no.

Mayo Clinic Laboratories, Mayo Clinic
Classification: Uncertain significance. Last evaluated: 2019-11-18. Review status: criteria provided, single submitter. Criteria: ACMG Guidelines, 2015. Collection method: clinical testing. Allele origin: germline. Observed: 1 variant allele.

Fulgent Genetics
Classification: Uncertain significance for Renal carnitine transport defect. Last evaluated: 2018-10-31. Review status: criteria provided, single submitter. Criteria: ACMG Guidelines, 2015. Collection method: clinical testing. Allele origin: unknown.

Illumina Laboratory Services, Illumina
Classification: Uncertain significance for Renal carnitine transport defect. Last evaluated: 2018-01-13. Review status: criteria provided, single submitter. Criteria: ICSL Variant Classification Criteria 13 December 2019. Collection method: clinical testing. Allele origin: germline.

Natera, Inc.
Classification: Uncertain significance for Primary systemic carnitine deficiency. Last evaluated: 2020-09-04. Review status: no assertion criteria provided. Collection method: clinical testing. Allele origin: germline. Not counted in ClinVar's aggregate classification.